The following is an entry in ClinVar:

NM_004928.3(CFAP410):c.528_529insG (p.Ser177fs)

Gene: CFAP410 (cilia and flagella associated protein 410; minus strand). Cytogenetic location: 21q22.3.
Variant type: Insertion.
Coding change: c.528_529insG on transcript NM_004928.3 (MANE Select); coding-DNA positions 528 to 529, G inserted.
Protein change: p.Ser177fs; shifts the reading frame from serine 177.
Molecular consequence: frameshift variant.
Genome position: GRCh38 VCF-style: chr21-44331859-T-TC. GRCh37 (hg19) VCF-style: chr21-45751742-T-TC.
Other names: c.528_529insG, p.Ser177fs (NM_001271440.2, NM_001271441.2); c.405_406insG, p.Ser136fs (NM_001271442.1); short protein forms S136fs, S177fs.
Identifiers: ClinVar variation 1068944 (VCV001068944.7), dbSNP rs2047653801, ClinGen allele CA1022721362.

ClinVar aggregate classification (germline): Pathogenic (1 of 4 stars; one submission).

Allele frequency attached by ClinVar (database versions not stated): gnomAD 0.00001; gnomAD exomes 0.00001.

Submission:

Labcorp Genetics (formerly Invitae), Labcorp
Classification: Pathogenic. Last evaluated: 2020-03-03. Review status: criteria provided, single submitter. Criteria: Invitae Variant Classification Sherloc (09022015). Collection method: clinical testing. Allele origin: germline.
Comment: For these reasons, this variant has been classified as Pathogenic. Loss-of-function variants in CFAP410 are known to be pathogenic (PMID: 23105016, 26167768). This variant has not been reported in the literature in individuals with CFAP410-related conditions. This variant is not present in population databases (ExAC no frequency). This sequence change creates a premature translational stop signal (p.Ser177Glufs*12) in the CFAP410 gene. It is expected to result in an absent or disrupted protein product.

Literature cited by the submitters: PubMed 23105016; PubMed 26167768.